The following is an entry in ClinVar:

NM_022089.4(ATP13A2):c.2835C>A (p.Phe945Leu)

Gene: ATP13A2 (ATPase cation transporting 13A2; minus strand). Cytogenetic location: 1p36.13.
Variant type: single nucleotide variant.
Coding change: c.2835C>A on transcript NM_022089.4 (MANE Select); coding-DNA position 2835, C replaced by A.
Protein change: p.Phe945Leu; replaces phenylalanine 945 with leucine.
Molecular consequence: missense variant.
Genome position (GRCh38, 1-based): chr1:16,988,162, G>T on the plus strand (C>A on the coding strand, the complement: ATP13A2 is on the minus strand). VCF-style: chr1-16988162-G-T. GRCh37 (hg19) VCF-style: chr1-17314657-G-T.
Other names: c.2820C>A, p.Phe940Leu (NM_001141973.3); c.2703C>A, p.Phe901Leu (NM_001141974.3); c.2835C>A (NM_022089.2); short protein forms F945L, F940L, F901L.
Identifiers: ClinVar variation 2150144 (VCV002150144.4), dbSNP rs1227660193, ClinGen allele CA338236968.

ClinVar aggregate classification (germline): Uncertain significance. Review status: criteria provided, multiple submitters, no conflicts (2 of 4 stars). 2 submissions from 2 submitters: Uncertain significance (2). Last evaluated 2026-05-13.

Conditions:
Inborn genetic diseases. Identifiers: MedGen C0950123, MeSH D030342.
Autosomal recessive spastic paraplegia type 78. Identifiers: Orphanet 513436, MedGen C5567893, MONDO:0014975, OMIM 617225.
Kufor-Rakeb syndrome (KRS). Also called: PARKINSON DISEASE 9, AUTOSOMAL RECESSIVE, JUVENILE-ONSET. Identifiers: Orphanet 306674, Orphanet 314632, MedGen C1847640, MONDO:0011706, OMIM 606693.

Allele frequency attached by ClinVar (database versions not stated): TOPMed 0.00001; gnomAD exomes 0.00001.
gnomAD v4.1: 11 of 1,614,108 alleles (0.00068%); highest among the groups gnomAD compares: South Asian, 0.0011%; no homozygotes.

Submissions (2):

Ambry Genetics
Classification: Uncertain significance for Inborn genetic diseases. Last evaluated: 2026-05-13. Review status: criteria provided, single submitter. Criteria: Ambry Variant Classification Scheme 2023. Collection method: clinical testing. Allele origin: germline.

Labcorp Genetics (formerly Invitae), Labcorp
Classification: Uncertain significance for Kufor-Rakeb syndrome; Autosomal recessive spastic paraplegia type 78. Last evaluated: 2022-01-01. Review status: criteria provided, single submitter. Criteria: Invitae Variant Classification Sherloc (09022015). Collection method: clinical testing. Allele origin: germline.
Comment: This sequence change replaces phenylalanine, which is neutral and non-polar, with leucine, which is neutral and non-polar, at codon 945 of the ATP13A2 protein (p.Phe945Leu). This variant is not present in population databases (gnomAD no frequency). This variant has not been reported in the literature in individuals affected with ATP13A2-related conditions. Algorithms developed to predict the effect of missense changes on protein structure and function are either unavailable or do not agree on the potential impact of this missense change (SIFT: "Deleterious"; PolyPhen-2: "Probably Damaging"; Align-GVGD: "Class C0"). In summary, the available evidence is currently insufficient to determine the role of this variant in disease. Therefore, it has been classified as a Variant of Uncertain Significance.